The following is an entry in ClinVar:

ClinVar aggregate classification (germline): Uncertain significance (1 of 4 stars; one submission).

Submission:

Labcorp Genetics (formerly Invitae), Labcorp
Classification: Uncertain significance. Last evaluated: 2023-10-13. Review status: criteria provided, single submitter. Criteria: Invitae Variant Classification Sherloc (09022015). Collection method: clinical testing. Allele origin: germline.
Comment: This sequence change replaces threonine, which is neutral and polar, with isoleucine, which is neutral and non-polar, at codon 695 of the GFM2 protein (p.Thr695Ile). This variant is not present in population databases (gnomAD no frequency). This variant has not been reported in the literature in individuals affected with GFM2-related conditions. Advanced modeling of protein sequence and biophysical properties (such as structural, functional, and spatial information, amino acid conservation, physicochemical variation, residue mobility, and thermodynamic stability) performed at Invitae indicates that this missense variant is not expected to disrupt GFM2 protein function. In summary, the available evidence is currently insufficient to determine the role of this variant in disease. Therefore, it has been classified as a Variant of Uncertain Significance.

NM_032380.5(GFM2):c.2084C>T (p.Thr695Ile)

Gene: GFM2 (GTP dependent ribosome recycling factor mitochondrial 2; minus strand). Cytogenetic location: 5q13.3.
Variant type: single nucleotide variant.
Coding change: c.2084C>T on transcript NM_032380.5 (MANE Select); coding-DNA position 2084, C replaced by T.
Protein change: p.Thr695Ile; replaces threonine 695 with isoleucine.
Molecular consequence: missense variant. On other transcripts: non-coding transcript variant (1).
Genome position (GRCh38, 1-based): chr5:74,722,506, G>A on the plus strand (C>T on the coding strand, the complement: GFM2 is on the minus strand). VCF-style: chr5-74722506-G-A. GRCh37 (hg19) VCF-style: chr5-74018331-G-A.
Other names: c.2180C>T, p.Thr727Ile (NM_001281302.2); c.1943C>T, p.Thr648Ile (NM_170691.3); short protein forms T695I, T727I, T648I.
Identifiers: ClinVar variation 2979416 (VCV002979416.3), dbSNP rs2478790115, ClinGen allele CA360074042.